The following is an entry in ClinVar:

NM_006118.4(HAX1):c.29T>G (p.Phe10Cys)

Gene: HAX1 (HCLS1 associated protein X-1; plus strand). Cytogenetic location: 1q21.3.
Variant type: single nucleotide variant.
Coding change: c.29T>G on transcript NM_006118.4 (MANE Select); coding-DNA position 29, T replaced by G.
Protein change: p.Phe10Cys; replaces phenylalanine 10 with cysteine.
Molecular consequence: missense variant.
Genome position (GRCh38, 1-based): chr1:154,272,752, T>G. VCF-style: chr1-154272752-T-G. GRCh37 (hg19) VCF-style: chr1-154245228-T-G.
Other names: c.29T>G, p.Phe10Cys (NM_001018837.2); short protein forms F10C.
Identifiers: ClinVar variation 3856877 (VCV003856877.1).
Genomic context (GRCh38, chr1:154,272,752, plus strand): 5'-AGGGGTTCAAAGGTTCGCGTCCCAGTACGGGAATGAGCCTCTTTGATCTCTTCCGGGGCT[T>G]TTTCGGCTTTCCTGGACCTCGGAGGTGAGAGTAGGTCCGGCTCGGACAAGGGTGGGGGTC-3'
Protein context (NP_006109.2, residues 1-20): MSLFDLFRG[Phe10Cys]FGFPGPRSHR

ClinVar aggregate classification (germline): Uncertain significance (1 of 4 stars; one submission).

Conditions:
Inborn genetic diseases. Identifiers: MedGen C0950123, MeSH D030342.

gnomAD v4.1: 1 of 1,614,172 alleles (0.000062%); highest among the groups gnomAD compares: Non-Finnish European, 0.000085%; no homozygotes.

Submission:

Ambry Genetics
Classification: Uncertain significance for Inborn genetic diseases. Last evaluated: 2025-01-19. Review status: criteria provided, single submitter. Criteria: Ambry Variant Classification Scheme 2023. Collection method: clinical testing. Allele origin: germline.
Comment: The p.F10C variant (also known as c.29T>G), located in coding exon 1 of the HAX1 gene, results from a T to G substitution at nucleotide position 29. The phenylalanine at codon 10 is replaced by cysteine, an amino acid with highly dissimilar properties. This amino acid position is conserved. In addition, this alteration is predicted to be deleterious by in silico analysis. Based on the available evidence, the clinical significance of this variant remains unclear.